The following is an entry in ClinVar:

ClinVar aggregate classification (germline): Uncertain significance (1 of 4 stars; one submission).

Conditions:
Cryopyrin associated periodic syndrome (CAPS). Identifiers: Orphanet 208650, MedGen C2316212, MONDO:0016168.

Allele frequency attached by ClinVar (database versions not stated): gnomAD exomes below 0.00001.
gnomAD v4.1: 1 of 1,614,098 alleles (0.000062%); highest among the groups gnomAD compares: Non-Finnish European, 0.000085%; no homozygotes.

Submission:

Labcorp Genetics (formerly Invitae), Labcorp
Classification: Uncertain significance for Cryopyrin associated periodic syndrome. Last evaluated: 2022-09-01. Review status: criteria provided, single submitter. Criteria: Invitae Variant Classification Sherloc (09022015). Collection method: clinical testing. Allele origin: germline.
Comment: In summary, the available evidence is currently insufficient to determine the role of this variant in disease. Therefore, it has been classified as a Variant of Uncertain Significance. Algorithms developed to predict the effect of sequence changes on RNA splicing suggest that this variant may create or strengthen a splice site. Algorithms developed to predict the effect of missense changes on protein structure and function are either unavailable or do not agree on the potential impact of this missense change (SIFT: "Tolerated"; PolyPhen-2: "Probably Damaging"; Align-GVGD: "Class C0"). ClinVar contains an entry for this variant (Variation ID: 1373529). This variant has not been reported in the literature in individuals affected with NLRP3-related conditions. This sequence change replaces asparagine, which is neutral and polar, with serine, which is neutral and polar, at codon 62 of the NLRP3 protein (p.Asn62Ser). This variant is not present in population databases (gnomAD no frequency).

NM_001243133.2(NLRP3):c.179A>G (p.Asn60Ser)

Gene: NLRP3 (NLR family pyrin domain containing 3; plus strand). Cytogenetic location: 1q44.
Variant type: single nucleotide variant.
Coding change: c.179A>G on transcript NM_001243133.2 (MANE Select); coding-DNA position 179, A replaced by G.
Protein change: p.Asn60Ser; replaces asparagine 60 with serine.
Molecular consequence: missense variant.
Genome position (GRCh38, 1-based): chr1:247,418,979, A>G. VCF-style: chr1-247418979-A-G. GRCh37 (hg19) VCF-style: chr1-247582281-A-G.
Other names: c.179A>G, p.Asn60Ser (NM_001079821.3, NM_001127461.3, NM_001127462.3 and 1 more transcripts); c.185A>G, p.Asn62Ser (NM_004895.5); short protein forms N62S, N60S.
Identifiers: ClinVar variation 1373529 (VCV001373529.6), dbSNP rs2103084344, ClinGen allele CA345552579.